The following is an entry in ClinVar:

ClinVar aggregate classification (germline): Uncertain significance. Review status: criteria provided, multiple submitters, no conflicts (2 of 4 stars). 3 submissions from 3 submitters: Uncertain significance (3). Last evaluated 2025-04-28.

Conditions:
Hereditary cancer-predisposing syndrome. Also called: Neoplastic Syndromes, Hereditary; Tumor predisposition; Hereditary Cancer Syndrome; Hereditary neoplastic syndrome. Identifiers: Orphanet 140162, MedGen C0027672, MeSH D009386, MONDO:0015356.
Neuroblastoma, susceptibility to, 3. Also called: ALK-Related Neuroblastic Tumor Susceptibility. Identifiers: Orphanet 635, MedGen C2751681, MONDO:0013083, OMIM 613014.

Allele frequency attached by ClinVar (database versions not stated): TOPMed 0.00001; ExAC 0.00002.
gnomAD v4.1: 5 of 1,613,490 alleles (0.00031%); highest among the groups gnomAD compares: Non-Finnish European, 0.00042%; no homozygotes.

Submissions (3):

Labcorp Genetics (formerly Invitae), Labcorp
Classification: Uncertain significance for Neuroblastoma, susceptibility to, 3. Last evaluated: 2025-04-28. Review status: criteria provided, single submitter. Criteria: Invitae Variant Classification Sherloc (09022015). Collection method: clinical testing. Allele origin: germline.
Comment: This sequence change replaces glycine, which is neutral and non-polar, with cysteine, which is neutral and slightly polar, at codon 940 of the ALK protein (p.Gly940Cys). This variant is present in population databases (rs372008367, gnomAD 0.002%). This variant has not been reported in the literature in individuals affected with ALK-related conditions. ClinVar contains an entry for this variant (Variation ID: 567904). An algorithm developed to predict the effect of missense changes on protein structure and function (PolyPhen-2) suggests that this variant is likely to be disruptive. In summary, the available evidence is currently insufficient to determine the role of this variant in disease. Therefore, it has been classified as a Variant of Uncertain Significance.

Ambry Genetics
Classification: Uncertain significance for Hereditary cancer-predisposing syndrome. Last evaluated: 2024-12-11. Review status: criteria provided, single submitter. Criteria: Ambry Variant Classification Scheme 2023. Collection method: clinical testing. Allele origin: germline.
Comment: The p.G940C variant (also known as c.2818G>T), located in coding exon 17 of the ALK gene, results from a G to T substitution at nucleotide position 2818. The glycine at codon 940 is replaced by cysteine, an amino acid with highly dissimilar properties. This amino acid position is highly conserved in available vertebrate species. In addition, the in silico prediction for this alteration is inconclusive. Based on the available evidence, the clinical significance of this variant remains unclear.

GeneDx
Classification: Uncertain significance. Last evaluated: 2024-03-20. Review status: criteria provided, single submitter. Criteria: GeneDx Variant Classification Process June 2021. Collection method: clinical testing. Allele origin: germline. Affected: yes.
Comment: Not observed at significant frequency in large population cohorts (gnomAD); In silico analysis supports that this missense variant has a deleterious effect on protein structure/function; Has not been previously published as pathogenic or benign to our knowledge

NM_004304.5(ALK):c.2818G>T (p.Gly940Cys)

Gene: ALK (ALK receptor tyrosine kinase; minus strand). Cytogenetic location: 2p23.2.
Variant type: single nucleotide variant.
Coding change: c.2818G>T on transcript NM_004304.5 (MANE Select); coding-DNA position 2818, G replaced by T.
Protein change: p.Gly940Cys; replaces glycine 940 with cysteine.
Molecular consequence: missense variant.
Genome position (GRCh38, 1-based): chr2:29,227,670, C>A on the plus strand (G>T on the coding strand, the complement: ALK is on the minus strand). VCF-style: chr2-29227670-C-A. GRCh37 (hg19) VCF-style: chr2-29450536-C-A.
Other names: short protein forms G940C.
Identifiers: ClinVar variation 567904 (VCV000567904.18), dbSNP rs372008367, ClinGen allele CA1594168.